The following is an entry in ClinVar:

ClinVar aggregate classification (germline): Uncertain significance (1 of 4 stars; one submission).

Allele frequency attached by ClinVar (database versions not stated): TOPMed below 0.00001; ExAC 0.00001; gnomAD 0.00001.
gnomAD v4.1: 14 of 1,531,414 alleles (0.00091%); highest among the groups gnomAD compares: African/African-American, 0.0027%; no homozygotes.

Submissions (2):

Labcorp Genetics (formerly Invitae), Labcorp
Classification: Uncertain significance. Last evaluated: 2024-01-29. Review status: criteria provided, single submitter. Criteria: Invitae Variant Classification Sherloc (09022015). Collection method: clinical testing. Allele origin: germline.
Comment: This sequence change replaces alanine, which is neutral and non-polar, with valine, which is neutral and non-polar, at codon 109 of the GMNN protein (p.Ala109Val). This variant is present in population databases (rs757212388, gnomAD 0.003%). This variant has not been reported in the literature in individuals affected with GMNN-related conditions. An algorithm developed to predict the effect of missense changes on protein structure and function (PolyPhen-2) suggests that this variant is likely to be disruptive. In summary, the available evidence is currently insufficient to determine the role of this variant in disease. Therefore, it has been classified as a Variant of Uncertain Significance.

Dr. Peter K. Rogan Lab, Western University
No classification provided (evidence only). Condition: Uterine corpus endometrial carcinoma. Review status: no classification provided. Collection method: in vitro. Allele origin: not applicable. Functional consequence: skipped exon, retained intron. Not counted in ClinVar's aggregate classification.

NM_015895.5(GMNN):c.326C>T (p.Ala109Val)

Gene: GMNN (geminin DNA replication inhibitor; plus strand). Cytogenetic location: 6p22.3.
Variant type: single nucleotide variant.
Coding change: c.326C>T on transcript NM_015895.5 (MANE Select); coding-DNA position 326, C replaced by T.
Protein change: p.Ala109Val; replaces alanine 109 with valine.
Molecular consequence: missense variant.
Genome position (GRCh38, 1-based): chr6:24,784,138, C>T. VCF-style: chr6-24784138-C-T. GRCh37 (hg19) VCF-style: chr6-24784366-C-T.
Other names: c.326C>T, p.Ala109Val (NM_001251989.2, NM_001251990.2, NM_001251991.1); short protein forms A109V.
Identifiers: ClinVar variation 2716036 (VCV002716036.4), dbSNP rs757212388, ClinGen allele CA3658880.